The following is an entry in ClinVar:

ClinVar aggregate classification (germline): Uncertain significance (1 of 4 stars; one submission).

Allele frequency attached by ClinVar (database versions not stated): gnomAD exomes below 0.00001; TOPMed below 0.00001.
gnomAD v4.1: 1 of 1,614,138 alleles (0.000062%); highest among the groups gnomAD compares: Non-Finnish European, 0.000085%; no homozygotes.

Submission:

Ambry Genetics
Classification: Uncertain significance. Last evaluated: 2025-01-30. Review status: criteria provided, single submitter. Criteria: Ambry Variant Classification Scheme 2023. Collection method: clinical testing. Allele origin: germline.
Comment: The p.S904A variant (also known as c.2710T>G), located in coding exon 1 of the MLH3 gene, results from a T to G substitution at nucleotide position 2710. The serine at codon 904 is replaced by alanine, an amino acid with similar properties. This amino acid position is conserved. In addition, this alteration is predicted to be tolerated by in silico analysis. Since supporting evidence is limited at this time, the clinical significance of this alteration remains unclear.

NM_001040108.2(MLH3):c.2710T>G (p.Ser904Ala)

Gene: MLH3 (mutL homolog 3; minus strand). Cytogenetic location: 14q24.3.
Variant type: single nucleotide variant.
Coding change: c.2710T>G on transcript NM_001040108.2 (MANE Select); coding-DNA position 2710, T replaced by G.
Protein change: p.Ser904Ala; replaces serine 904 with alanine.
Molecular consequence: missense variant.
Genome position (GRCh38, 1-based): chr14:75,046,946, A>C on the plus strand (T>G on the coding strand, the complement: MLH3 is on the minus strand). VCF-style: chr14-75046946-A-C. GRCh37 (hg19) VCF-style: chr14-75513649-A-C.
Other names: c.2710T>G, p.Ser904Ala (NM_014381.3); short protein forms S904A.
Identifiers: ClinVar variation 1795077 (VCV001795077.3), dbSNP rs1032244946, ClinGen allele CA263648052.